The following is an entry in ClinVar:

NM_018896.5(CACNA1G):c.6307C>T (p.Leu2103Phe)

Gene: CACNA1G (calcium voltage-gated channel subunit alpha1 G; plus strand). Cytogenetic location: 17q21.33.
Variant type: single nucleotide variant.
Coding change: c.6307C>T on transcript NM_018896.5 (MANE Select); coding-DNA position 6307, C replaced by T.
Protein change: p.Leu2103Phe; replaces leucine 2103 with phenylalanine.
Molecular consequence: missense variant. On other transcripts: non-coding transcript variant (5).
Genome position (GRCh38, 1-based): chr17:50,624,437, C>T. VCF-style: chr17-50624437-C-T. GRCh37 (hg19) VCF-style: chr17-48701798-C-T.
Other names: c.6118C>T, p.Leu2040Phe (NM_001256324.2); c.6049C>T, p.Leu2017Phe (NM_001256325.2); c.6037C>T, p.Leu2013Phe (NM_001256326.2); c.6007C>T, p.Leu2003Phe (NM_001256327.2); c.5953C>T, p.Leu1985Phe (NM_001256328.2); c.5926C>T, p.Leu1976Phe (NM_001256329.2, NM_198376.3, NM_198387.3); c.5893C>T, p.Leu1965Phe (NM_001256330.2); c.5872C>T, p.Leu1958Phe (NM_001256331.2); and 15 more; short protein forms L1953F, L1958F, L1965F, L1969F, L1972F, L1974F, L1976F, L1983F.
Identifiers: ClinVar variation 3777540 (VCV003777540.1).
Genomic context (GRCh38, chr17:50,624,437, plus strand): 5'-CACTCCCAGCCAGCAGATACCAGCTACATCCTGCAGCTTCCCAAAGATGCACCTCATCTG[C>T]TCCAGCCCCACAGCGCCCCAACCTGGGGCACCATCCCCAAACTGCCCCCACCAGGACGCT-3'
Protein context (NP_061496.2, residues 2093-2113): LQLPKDAPHL[Leu2103Phe]QPHSAPTWGT

ClinVar aggregate classification (germline): Uncertain significance (1 of 4 stars; one submission).

Submission:

GeneDx
Classification: Uncertain significance. Last evaluated: 2024-10-09. Review status: criteria provided, single submitter. Criteria: GeneDx Variant Classification Process June 2021. Collection method: clinical testing. Allele origin: germline. Affected: yes.
Comment: Not observed at significant frequency in large population cohorts (gnomAD); In silico analysis indicates that this missense variant does not alter protein structure/function; Has not been previously published as pathogenic or benign to our knowledge